The following is an entry in ClinVar:

NM_001113378.2(FANCI):c.816del (p.Leu273fs)

Gene: FANCI (FA complementation group I; plus strand). Cytogenetic location: 15q26.1.
Variant type: Deletion.
Coding change: c.816del on transcript NM_001113378.2 (MANE Select); coding-DNA position 816, one base deleted (T; older notation c.816delT).
Protein change: p.Leu273fs; shifts the reading frame from leucine 273.
Molecular consequence: frameshift variant.
Genome position (GRCh38, 1-based): chr15:89,268,459, T deleted; the last of 2 consecutive T bases (chr15:89,268,458-89,268,459); deleting either gives the same sequence. VCF-style (leftmost placement, unchanged base first): chr15-89268457-AT-A. GRCh37 (hg19) VCF-style: chr15-89811688-AT-A.
Other names: c.537del, p.Leu180fs (NM_001376910.1); c.816del, p.Leu273fs (NM_001376911.1, NM_018193.3); short protein forms L180fs, L273fs.
Identifiers: ClinVar variation 4808602 (VCV004808602.1).

ClinVar aggregate classification (germline): Pathogenic (1 of 4 stars; one submission).

Conditions:
Fanconi anemia (FA). Also called: Fanconi's anemia. Identifiers: Orphanet 84, MedGen C0015625, MeSH D005199, MONDO:0019391.

Submission:

Labcorp Genetics (formerly Invitae), Labcorp
Classification: Pathogenic for Fanconi anemia. Last evaluated: 2025-11-17. Review status: criteria provided, single submitter. Criteria: Invitae Variant Classification Sherloc (09022015). Collection method: clinical testing. Allele origin: germline.
Comment: This sequence change creates a premature translational stop signal (p.Leu273Tyrfs*13) in the FANCI gene. It is expected to result in an absent or disrupted protein product. Loss-of-function variants in FANCI are known to be pathogenic (PMID: 17452773, 17460694). This variant is not present in population databases (gnomAD no frequency). This variant has not been reported in the literature in individuals affected with FANCI-related conditions. Algorithms developed to predict the effect of sequence changes on RNA splicing suggest that this variant may disrupt the consensus splice site. For these reasons, this variant has been classified as Pathogenic.

Literature cited by the submitters: PubMed 17452773; PubMed 17460694.